The following is an entry in ClinVar:

NM_001127222.2(CACNA1A):c.346G>T (p.Ala116Ser)

Gene: CACNA1A (calcium voltage-gated channel subunit alpha1 A; minus strand). Cytogenetic location: 19p13.13.
Variant type: single nucleotide variant.
Coding change: c.346G>T on transcript NM_001127222.2 (MANE Select); coding-DNA position 346, G replaced by T.
Protein change: p.Ala116Ser; replaces alanine 116 with serine.
Molecular consequence: missense variant.
Genome position (GRCh38, 1-based): chr19:13,455,160, C>A on the plus strand (G>T on the coding strand, the complement: CACNA1A is on the minus strand). VCF-style: chr19-13455160-C-A. GRCh37 (hg19) VCF-style: chr19-13565974-C-A.
Other names: c.346G>T, p.Ala116Ser (NM_000068.4, NM_001127221.2, NM_001174080.2 and 1 more transcripts); short protein forms A116S.
Identifiers: ClinVar variation 3256975 (VCV003256975.17).

ClinVar aggregate classification (germline): Uncertain significance (1 of 4 stars; one submission).

gnomAD v4.1: 6 of 1,612,594 alleles (0.00037%); highest among the groups gnomAD compares: East Asian, 0.0089%; no homozygotes.

Submission:

CeGaT Center for Human Genetics Tuebingen
Classification: Uncertain significance. Last evaluated: 2024-07-01. Review status: criteria provided, single submitter. Criteria: CeGaT Center For Human Genetics Tuebingen Variant Classification Criteria Version 2. Collection method: clinical testing. Allele origin: germline. Affected: yes. Observed: 1 variant allele.
Comment: CACNA1A: PP2, PP3